The following is an entry in ClinVar:

ClinVar aggregate classification (germline): Likely benign (1 of 4 stars; one submission).

Allele frequency attached by ClinVar (database versions not stated): TOPMed 0.00005; ExAC 0.00014; 1000 Genomes Project 30x 0.00016; ESP Exome Variant Server 0.00023; 1000 Genomes Project 0.00040.

Submission:

CeGaT Center for Human Genetics Tuebingen
Classification: Likely benign. Last evaluated: 2023-03-01. Review status: criteria provided, single submitter. Criteria: CeGaT Center For Human Genetics Tuebingen Variant Classification Criteria Version 2. Collection method: clinical testing. Allele origin: germline. Affected: yes. Observed: 1 variant allele.
Comment: PDE4DIP: BP4, BP7

NM_001395426.1(PDE4DIP):c.3816G>A (p.Ala1272=)

Gene: PDE4DIP (phosphodiesterase 4D interacting protein; plus strand). Cytogenetic location: 1q21.2.
Variant type: single nucleotide variant.
Coding change: c.3816G>A on transcript NM_001395426.1 (MANE Select); coding-DNA position 3816, G replaced by A.
Protein change: p.Ala1272=; no amino-acid change (alanine 1272 retained).
Molecular consequence: synonymous variant.
Genome position (GRCh38, 1-based): chr1:149,002,894, G>A. VCF-style: chr1-149002894-G-A. GRCh37 (hg19) VCF-style: chr1-144881578-C-T.
Other names: c.4029G>A, p.Ala1343= (NM_001350521.4, NM_001377392.2, NM_001395298.1); c.3816G>A, p.Ala1272= (NM_001350522.3, NM_001395304.1, NM_001395305.1 and 2 more transcripts); c.3486G>A, p.Ala1162= (NM_001350523.3, NM_001377393.2, NM_001395306.1 and 4 more transcripts); c.4107G>A, p.Ala1369= (NM_001395297.1, NM_001395299.1, NM_001395301.1 and 1 more transcripts); c.3918G>A, p.Ala1306= (NM_001395300.1, NM_001395302.1); c.3699G>A, p.Ala1233= (NM_001395303.1, NM_001395307.1); c.3777G>A, p.Ala1259= (NM_001395309.1); c.3705G>A, p.Ala1235= (NM_001395313.1); and 1 more.
Identifiers: ClinVar variation 2639070 (VCV002639070.24), dbSNP rs199509148, ClinGen allele CA1046324.
Genomic context (GRCh38, chr1:149,002,894, plus strand): 5'-TTGGCCCCTTTCACAGTTGGATAACCAGTCCCAGCCTCGTGACCCTGGGCCTCAGTCAGC[G>A]TTTAGCCTACCAGGGTCCACCCAGCACCTGCGCTCCCAGCTGTCACAATGCAAACAACGC-3'
Protein context (NP_001382355.1, residues 1262-1282): SQPRDPGPQS[Ala1272=]FSLPGSTQHL